The following is an entry in ClinVar:

ClinVar aggregate classification (germline): Pathogenic (1 of 4 stars; one submission).

Conditions:
Pitt-Hopkins-like syndrome 2 (PTHSL2). Identifiers: Orphanet 221150, Orphanet 600663, MedGen C3280479, MONDO:0013690, OMIM 614325.

Submission:

Labcorp Genetics (formerly Invitae), Labcorp
Classification: Pathogenic for Pitt-Hopkins-like syndrome 2. Last evaluated: 2022-06-14. Review status: criteria provided, single submitter. Criteria: Invitae Variant Classification Sherloc (09022015). Collection method: clinical testing. Allele origin: germline.
Comment: This variant is a gross deletion of the genomic region encompassing exon(s) 10-18 of the NRXN1 gene. This deletion is out-of-frame, and is expected to create a premature termination codon and result in an absent or disrupted protein product. Loss-of-function variants in NRXN1 are known to be pathogenic (PMID: 19896112, 21964664, 23495017, 23533028, 25149956, 30031152). For these reasons, this variant has been classified as Pathogenic. This variant has not been reported in the literature in individuals affected with NRXN1-related conditions.

Literature cited by the submitters: PubMed 19896112; PubMed 21964664; PubMed 23495017; PubMed 23533028; PubMed 25149956; PubMed 30031152.

NC_000002.11:g.(?_50692560)_(50780183_?)del

Gene: NRXN1 (neurexin 1; minus strand). Cytogenetic location: 2p16.3.
Variant type: Deletion.
Identifiers: ClinVar variation 1460378 (VCV001460378.5).